The following is an entry in ClinVar:

ClinVar aggregate classification (germline): Benign/Likely benign. Review status: criteria provided, multiple submitters, no conflicts (2 of 4 stars). 4 submissions from 4 submitters: Benign (1); Likely benign (2). 1 of the submissions does not count toward it. Last evaluated 2026-06-29.

Conditions:
CHM-related disorder. Also called: CHM-related condition.
Choroideremia. Also called: Chorioretinal scalloped atrophy. Identifiers: Orphanet 180, MedGen C0008525, MONDO:0010557, OMIM 303100, HP:0001139.

Allele frequency attached by ClinVar (database versions not stated): TOPMed 0.00005; ExAC 0.00007.

Submissions (4):

PreventionGenetics, part of Exact Sciences
Classification: Likely benign for CHM-related condition. Last evaluated: 2026-06-29. Review status: criteria provided, single submitter. Criteria: ACMG Guidelines, 2015. Collection method: clinical testing. Allele origin: germline.
Comment: This variant is classified as likely benign based on ACMG/AMP sequence variant interpretation guidelines (Richards et al. 2015 PMID: 25741868, with internal and published modifications).

Labcorp Genetics (formerly Invitae), Labcorp
Classification: Benign. Last evaluated: 2024-03-13. Review status: criteria provided, single submitter. Criteria: Invitae Variant Classification Sherloc (09022015). Collection method: clinical testing. Allele origin: germline.

Blueprint Genetics
Classification: Likely benign. Last evaluated: 2024-02-29. Review status: criteria provided, single submitter. Criteria: ACMG Guidelines, 2015. Collection method: clinical testing. Allele origin: germline.

Natera, Inc.
Classification: Benign for Choroideremia. Last evaluated: 2020-04-11. Review status: no assertion criteria provided. Collection method: clinical testing. Allele origin: germline. Not counted in ClinVar's aggregate classification.

NM_000390.4(CHM):c.447G>T (p.Met149Ile)

Genes: CHM (CHM Rab escort protein; minus strand), LOC129391306 (MPRA-validated peak7401 silencer; plus strand). Cytogenetic location: Xq21.2.
Variant type: single nucleotide variant.
Coding change: c.447G>T on transcript NM_000390.4 (MANE Select); coding-DNA position 447, G replaced by T.
Protein change: p.Met149Ile; replaces methionine 149 with isoleucine.
Molecular consequence: missense variant. On other transcripts: initiator codon variant (4).
Genome position (GRCh38, 1-based): chrX:85,963,920, C>A on the plus strand (G>T on the coding strand, the complement: CHM is on the minus strand). VCF-style: chrX-85963920-C-A. GRCh37 (hg19) VCF-style: chrX-85218925-C-A.
Other names: c.3G>T, p.Met1Ile (NM_001362519.1, NM_001320959.1, NM_001362517.1 and 1 more transcripts); short protein forms M149I, M1I.
Identifiers: ClinVar variation 1168390 (VCV001168390.13), dbSNP rs746057999, ClinGen allele CA10465575.
Genomic context (GRCh38, chrX:85,963,920, plus strand): 5'-TACTTCTAGCGCATTCTCTGGATCGCTGCTTGGAGTTTGTTCTGTGAGCATTTCACAGCT[C>A]ATAGTGCTTAATGACTCATCCTCCGTAGGCAGGAAGGCAGAATCTGCAGCTTCTGTGGAG-3'
Protein context (NP_000381.1, residues 139-159): LPTEDESLST[Met149Ile]SCEMLTEQTP